The following is an entry in ClinVar:

NM_000297.4(PKD2):c.2341dup (p.Asp781fs)

Gene: PKD2 (polycystin 2, transient receptor potential cation channel; plus strand). Cytogenetic location: 4q22.1.
Variant type: Duplication.
Coding change: c.2341dup on transcript NM_000297.4 (MANE Select); coding-DNA position 2341, one base duplicated (G; older notation c.2341dupG).
Protein change: p.Asp781fs; shifts the reading frame from aspartic acid 781.
Molecular consequence: frameshift variant. On other transcripts: non-coding transcript variant (1).
Genome position (GRCh38, 1-based): chr4:88,065,862, G duplicated. VCF-style (leftmost placement, unchanged base first): chr4-88065861-C-CG. GRCh37 (hg19) VCF-style: chr4-88987013-C-CG.
Other names: short protein forms D781fs.
Identifiers: ClinVar variation 3382026 (VCV003382026.2).

ClinVar aggregate classification (germline): Pathogenic (1 of 4 stars; one submission).

Conditions:
Polycystic kidney disease 2 (PKD2). Also called: POLYCYSTIC KIDNEY DISEASE, ADULT, TYPE II; Polycystic Kidney Disease 2, Autosomal Dominant; POLYCYSTIC KIDNEY DISEASE 2 WITH OR WITHOUT POLYCYSTIC LIVER DISEASE. Identifiers: MedGen C2751306, MONDO:0013131, OMIM 613095.

Submission:

Juno Genomics, Hangzhou Juno Genomics, Inc
Classification: Pathogenic for Polycystic kidney disease 2. Review status: criteria provided, single submitter. Criteria: ACMG Guidelines, 2015. Collection method: clinical testing. Allele origin: germline. Affected: yes.
Comment: Null variant in a gene where loss of function (LOF) is a known mechanism of disease.;Absent from controls (or at extremely low frequency if recessive) in Genome Aggregation Database, Exome Sequencing Project, 1000 Genomes Project, or Exome Aggregation Consortium.;Patient's phenotype or family history is highly specific for a disease with a single genetic etiology.